The following is an entry in ClinVar:

ClinVar aggregate classification (germline): Uncertain significance (1 of 4 stars; one submission).

Conditions:
Atrial fibrillation, familial, 11 (ATFB11). Identifiers: MedGen C3279693, MONDO:0013544, OMIM 614049.
Atrial standstill 1 (ATRST1). Also called: ATRIAL CARDIOMYOPATHY WITH HEART BLOCK; CARDIOMYOPATHY, FAMILIAL, WITH CONDUCTION DISTURBANCE; Atrial standstill, digenic (GJA5/SCN5A). Identifiers: Orphanet 1344, MedGen C4551959, MONDO:0007171, OMIM 108770.

Allele frequency attached by ClinVar (database versions not stated): gnomAD exomes below 0.00001; TOPMed below 0.00001.

Submission:

Labcorp Genetics (formerly Invitae), Labcorp
Classification: Uncertain significance for Atrial fibrillation, familial, 11; Atrial standstill 1. Last evaluated: 2024-07-27. Review status: criteria provided, single submitter. Criteria: Invitae Variant Classification Sherloc (09022015). Collection method: clinical testing. Allele origin: germline.
Comment: This sequence change replaces glycine, which is neutral and non-polar, with aspartic acid, which is acidic and polar, at codon 121 of the GJA5 protein (p.Gly121Asp). This variant is not present in population databases (gnomAD no frequency). This variant has not been reported in the literature in individuals affected with GJA5-related conditions. ClinVar contains an entry for this variant (Variation ID: 1497988). Advanced modeling of protein sequence and biophysical properties (such as structural, functional, and spatial information, amino acid conservation, physicochemical variation, residue mobility, and thermodynamic stability) performed at Invitae indicates that this missense variant is not expected to disrupt GJA5 protein function with a negative predictive value of 80%. In summary, the available evidence is currently insufficient to determine the role of this variant in disease. Therefore, it has been classified as a Variant of Uncertain Significance.

NM_181703.4(GJA5):c.362G>A (p.Gly121Asp)

Gene: GJA5 (gap junction protein alpha 5; minus strand). Cytogenetic location: 1q21.2.
Variant type: single nucleotide variant.
Coding change: c.362G>A on transcript NM_181703.4 (MANE Select); coding-DNA position 362, G replaced by A.
Protein change: p.Gly121Asp; replaces glycine 121 with aspartic acid.
Molecular consequence: missense variant.
Genome position (GRCh38, 1-based): chr1:147,758,877, C>T on the plus strand (G>A on the coding strand, the complement: GJA5 is on the minus strand). VCF-style: chr1-147758877-C-T. GRCh37 (hg19) VCF-style: chr1-147230985-C-T.
Other names: c.362G>A, p.Gly121Asp (NM_005266.7); short protein forms G121D.
Identifiers: ClinVar variation 1497988 (VCV001497988.6), dbSNP rs1413935876, ClinGen allele CA342396690.
Genomic context (GRCh38, chr1:147,758,877, plus strand): 5'-CCATTCCCTTCCTCCCAGCAGGACAGTTCTGCCTTCTCTGCCACCGGGTACTCGTAAGAG[C>T]CAGAGCCCCGGACCTCTTTGGCCCTCTCGGCCTCCCGTAGCTTGCGCTTCTCCTGCATGC-3'
Protein context (NP_859054.1, residues 111-131): AERAKEVRGS[Gly121Asp]SYEYPVAEKA